The following is an entry in ClinVar:

NM_002691.4(POLD1):c.5A>G (p.Asp2Gly)

Gene: POLD1 (DNA polymerase delta 1, catalytic subunit; plus strand). Cytogenetic location: 19q13.33.
Variant type: single nucleotide variant.
Coding change: c.5A>G on transcript NM_002691.4 (MANE Select); coding-DNA position 5, A replaced by G.
Protein change: p.Asp2Gly; replaces aspartic acid 2 with glycine.
Molecular consequence: missense variant. On other transcripts: non-coding transcript variant (1).
Genome position (GRCh38, 1-based): chr19:50,398,856, A>G. VCF-style: chr19-50398856-A-G. GRCh37 (hg19) VCF-style: chr19-50902113-A-G.
Other names: c.5A>G, p.Asp2Gly (NM_001256849.1, NM_001308632.1); short protein forms D2G.
Identifiers: ClinVar variation 1750976 (VCV001750976.3), dbSNP rs2122193463, ClinGen allele CA406969961.

ClinVar aggregate classification (germline): Uncertain significance. Review status: criteria provided, multiple submitters, no conflicts (2 of 4 stars). 2 submissions from 2 submitters: Uncertain significance (2). Last evaluated 2025-10-10.

Conditions:
POLD1-related polyposis and colorectal cancer syndrome (CRCS10). Also called: COLORECTAL CANCER, SUSCEPTIBILITY TO, ON CHROMOSOME 19q; Colorectal cancer 10; Colorectal cancer, susceptibility to, 10. Identifiers: Orphanet 220460, MedGen C2675481, MONDO:0012953, OMIM 612591.
Hereditary cancer-predisposing syndrome. Also called: Neoplastic Syndromes, Hereditary; Tumor predisposition; Hereditary neoplastic syndrome; Hereditary Cancer Syndrome. Identifiers: Orphanet 140162, MedGen C0027672, MeSH D009386, MONDO:0015356.

Submissions (2):

Labcorp Genetics (formerly Invitae), Labcorp
Classification: Uncertain significance for POLD1-related polyposis and colorectal cancer syndrome. Last evaluated: 2025-10-10. Review status: criteria provided, single submitter. Criteria: Invitae Variant Classification Sherloc (09022015). Collection method: clinical testing. Allele origin: germline.
Comment: This sequence change replaces aspartic acid, which is acidic and polar, with glycine, which is neutral and non-polar, at codon 2 of the POLD1 protein (p.Asp2Gly). This variant is not present in population databases (gnomAD no frequency). This variant has not been reported in the literature in individuals affected with POLD1-related conditions. ClinVar contains an entry for this variant (Variation ID: 1750976). Experimental studies and prediction algorithms are not available or were not evaluated, and the functional significance of this variant is currently unknown. In summary, the available evidence is currently insufficient to determine the role of this variant in disease. Therefore, it has been classified as a Variant of Uncertain Significance.

Ambry Genetics
Classification: Uncertain significance for Hereditary cancer-predisposing syndrome. Last evaluated: 2022-02-05. Review status: criteria provided, single submitter. Criteria: Ambry Variant Classification Scheme 2023. Collection method: clinical testing. Allele origin: germline.
Comment: The p.D2G variant (also known as c.5A>G), located in coding exon 1 of the POLD1 gene, results from an A to G substitution at nucleotide position 5. The aspartic acid at codon 2 is replaced by glycine, an amino acid with similar properties. This amino acid position is conserved. In addition, this alteration is predicted to be tolerated by in silico analysis. Since supporting evidence is limited at this time, the clinical significance of this alteration remains unclear.